The following is an entry in ClinVar:

NM_017752.3(TBC1D8B):c.576G>A (p.Leu192=)

Gene: TBC1D8B (TBC1 domain family member 8B; plus strand). Cytogenetic location: Xq22.3.
Variant type: single nucleotide variant.
Coding change: c.576G>A on transcript NM_017752.3 (MANE Select); coding-DNA position 576, G replaced by A.
Protein change: p.Leu192=; no amino-acid change (leucine 192 retained).
Molecular consequence: synonymous variant.
Genome position (GRCh38, 1-based): chrX:106,822,192, G>A. VCF-style: chrX-106822192-G-A. GRCh37 (hg19) VCF-style: chrX-106065422-G-A.
Other names: c.576G>A, p.Leu192= (NM_198881.2).
Identifiers: ClinVar variation 2661141 (VCV002661141.26), dbSNP rs748366693, ClinGen allele CA10482975.

ClinVar aggregate classification (germline): Likely benign. Review status: criteria provided, multiple submitters, no conflicts (2 of 4 stars). 2 submissions from 2 submitters: Likely benign (2). Last evaluated 2024-06-08.

Allele frequency attached by ClinVar (database versions not stated): gnomAD 0.00003; gnomAD exomes 0.00004; ExAC 0.00005; TOPMed 0.00006.
gnomAD v4.1: 49 of 1,197,652 alleles (0.0041%); highest among the groups gnomAD compares: Admixed American, 0.011%; 1 homozygote.

Submissions (2):

Labcorp Genetics (formerly Invitae), Labcorp
Classification: Likely benign. Last evaluated: 2024-06-08. Review status: criteria provided, single submitter. Criteria: Invitae Variant Classification Sherloc (09022015). Collection method: clinical testing. Allele origin: germline.

CeGaT Center for Human Genetics Tuebingen
Classification: Likely benign. Last evaluated: 2023-03-01. Review status: criteria provided, single submitter. Criteria: CeGaT Center For Human Genetics Tuebingen Variant Classification Criteria Version 2. Collection method: clinical testing. Allele origin: germline. Affected: yes. Observed: 1 variant allele.
Comment: TBC1D8B: BP4, BP7, BS2